The following is an entry in ClinVar:

NM_017636.4(TRPM4):c.596C>A (p.Thr199Asn)

Gene: TRPM4 (transient receptor potential cation channel subfamily M member 4; plus strand). Cytogenetic location: 19q13.33.
Variant type: single nucleotide variant.
Coding change: c.596C>A on transcript NM_017636.4 (MANE Select); coding-DNA position 596, C replaced by A.
Protein change: p.Thr199Asn; replaces threonine 199 with asparagine.
Molecular consequence: missense variant. On other transcripts: 5 prime UTR variant (1), intron variant (2).
Genome position (GRCh38, 1-based): chr19:49,168,407, C>A. VCF-style: chr19-49168407-C-A. GRCh37 (hg19) VCF-style: chr19-49671664-C-A.
Other names: c.596C>A, p.Thr199Asn (NM_001195227.2); c.-958C>A (NM_001321282.2); c.74C>A, p.Thr25Asn (NM_001321283.2); c.268-146C>A (NM_001321281.2); c.-237-146C>A (NM_001321285.2); short protein forms T25N, T199N.
Identifiers: ClinVar variation 2625623 (VCV002625623.7), dbSNP rs778088073, ClinGen allele CA9568863.
Genomic context (GRCh38, chr19:49,168,407, plus strand): 5'-GGGGCACCAAGGTGGTGGCCATGGGTGTGGCCCCCTGGGGTGTGGTCCGGAATAGAGACA[C>A]CCTCATCAACCCCAAGGTGTGACCCAGGGACTTGGAAAAGGGGGCTGGAGGCCTGGACTC-3'
Protein context (NP_060106.2, residues 189-209): APWGVVRNRD[Thr199Asn]LINPKGSFPA

ClinVar aggregate classification (germline): Uncertain significance. Review status: criteria provided, multiple submitters, no conflicts (2 of 4 stars). 3 submissions from 3 submitters: Uncertain significance (3). Last evaluated 2025-08-26.

Conditions:
Cardiovascular phenotype. Identifiers: MedGen CN230736.
Progressive familial heart block type IB (PFHB1B). Identifiers: Orphanet 871, MedGen C1970298, MONDO:0011474, OMIM 604559.
Erythrokeratodermia variabilis et progressiva 6. Identifiers: MedGen C5193144, MONDO:0032801, OMIM 618531.

Allele frequency attached by ClinVar (database versions not stated): ExAC 0.00001; gnomAD 0.00003; gnomAD exomes 0.00003; TOPMed 0.00003.
gnomAD v4.1: 45 of 1,613,890 alleles (0.0028%); highest among the groups gnomAD compares: African/African-American, 0.004%; no homozygotes.

Submissions (3):

Ambry Genetics
Classification: Uncertain significance for Cardiovascular phenotype. Last evaluated: 2025-08-26. Review status: criteria provided, single submitter. Criteria: Ambry Variant Classification Scheme 2023. Collection method: clinical testing. Allele origin: germline.

Labcorp Genetics (formerly Invitae), Labcorp
Classification: Uncertain significance for Progressive familial heart block type IB. Last evaluated: 2024-11-21. Review status: criteria provided, single submitter. Criteria: Invitae Variant Classification Sherloc (09022015). Collection method: clinical testing. Allele origin: germline.
Comment: This sequence change replaces threonine, which is neutral and polar, with asparagine, which is neutral and polar, at codon 199 of the TRPM4 protein (p.Thr199Asn). This variant is present in population databases (rs778088073, gnomAD 0.002%). This variant has not been reported in the literature in individuals affected with TRPM4-related conditions. ClinVar contains an entry for this variant (Variation ID: 2625623). An algorithm developed to predict the effect of missense changes on protein structure and function outputs the following: PolyPhen-2: "Benign". The asparagine amino acid residue is found in multiple mammalian species, which suggests that this missense change does not adversely affect protein function. In summary, the available evidence is currently insufficient to determine the role of this variant in disease. Therefore, it has been classified as a Variant of Uncertain Significance.

Department of Pathology and Laboratory Medicine, Sinai Health System
Classification: Uncertain significance for Progressive familial heart block type IB; Erythrokeratodermia variabilis et progressiva 6. Last evaluated: 2021-07-30. Review status: criteria provided, single submitter. Criteria: ACMG Guidelines, 2015. Collection method: research. Allele origin: germline.